The following is an entry in ClinVar:

NM_018255.4(ELP2):c.178C>T (p.Arg60Ter)

Gene: ELP2 (elongator acetyltransferase complex subunit 2; plus strand). Cytogenetic location: 18q12.2.
Variant type: single nucleotide variant.
Coding change: c.178C>T on transcript NM_018255.4 (MANE Select); coding-DNA position 178, C replaced by T.
Protein change: p.Arg60Ter; replaces arginine 60 with a stop codon.
Molecular consequence: nonsense. On other transcripts: non-coding transcript variant (4), intron variant (1).
Genome position (GRCh38, 1-based): chr18:36,133,277, C>T. VCF-style: chr18-36133277-C-T. GRCh37 (hg19) VCF-style: chr18-33713240-C-T.
Other names: c.178C>T, p.Arg60Ter (NM_001242875.3, NM_001242876.3, NM_001242877.3 and 5 more transcripts); c.-230-3030C>T (NM_001324468.2); short protein forms R60*.
Identifiers: ClinVar variation 1033375 (VCV001033375.6), dbSNP rs553697188, ClinGen allele CA8939508.

ClinVar aggregate classification (germline): Conflicting classifications of pathogenicity. Review status: criteria provided, conflicting classifications (1 of 4 stars). 3 submissions from 3 submitters: Likely pathogenic (2); Uncertain significance (1). Last evaluated 2023-08-03.

Conditions:
Intellectual developmental disorder, autosomal recessive 58. Also called: Intellectual disability, autosomal recessive 58. Identifiers: MedGen C4310641, MONDO:0014996, OMIM 617270.

Allele frequency attached by ClinVar (database versions not stated): gnomAD 0.00002 and 0.00003; gnomAD exomes 0.00004; TOPMed 0.00005; ExAC 0.00006.
gnomAD v4.1: 62 of 1,613,856 alleles (0.0038%); highest among the groups gnomAD compares: Middle Eastern, 0.017%; no homozygotes.

Submissions (3):

Revvity Omics, Revvity
Classification: Likely pathogenic. Last evaluated: 2023-08-03. Review status: criteria provided, single submitter. Criteria: ACMG Guidelines, 2015. Collection method: clinical testing. Allele origin: germline.

Laboratorio de Genetica e Diagnostico Molecular, Hospital Israelita Albert Einstein
Classification: Likely pathogenic. Last evaluated: 2019-10-07. Review status: criteria provided, single submitter. Criteria: ACMG Guidelines, 2015. Collection method: clinical testing. Allele origin: germline. Affected: yes.
Comment: ACMG classification criteria: PVS1, PM2

Baylor Genetics
Classification: Uncertain significance for Intellectual developmental disorder, autosomal recessive 58. Last evaluated: 2018-06-11. Review status: criteria provided, single submitter. Criteria: ACMG Guidelines, 2015. Collection method: clinical testing. Allele origin: paternal. Affected: yes.
Comment: This variant was determined to be of uncertain significance according to ACMG Guidelines, 2015 [PMID:25741868].